The following is an entry in ClinVar:

ClinVar aggregate classification (germline): Uncertain significance (1 of 4 stars; one submission).

Conditions:
Vici syndrome (VICIS). Identifiers: Orphanet 1493, MedGen C1855772, MONDO:0009452, OMIM 242840.

Allele frequency attached by ClinVar (database versions not stated): gnomAD exomes below 0.00001.
gnomAD v4.1: 6 of 1,613,524 alleles (0.00037%); highest among the groups gnomAD compares: Non-Finnish European, 0.000085%; no homozygotes.

Submission:

Labcorp Genetics (formerly Invitae), Labcorp
Classification: Uncertain significance for Vici syndrome. Last evaluated: 2024-02-24. Review status: criteria provided, single submitter. Criteria: Invitae Variant Classification Sherloc (09022015). Collection method: clinical testing. Allele origin: germline.
Comment: This sequence change replaces threonine, which is neutral and polar, with isoleucine, which is neutral and non-polar, at codon 163 of the EPG5 protein (p.Thr163Ile). This variant is not present in population databases (gnomAD no frequency). This variant has not been reported in the literature in individuals affected with EPG5-related conditions. ClinVar contains an entry for this variant (Variation ID: 1014716). Advanced modeling of protein sequence and biophysical properties (such as structural, functional, and spatial information, amino acid conservation, physicochemical variation, residue mobility, and thermodynamic stability) performed at Invitae indicates that this missense variant is not expected to disrupt EPG5 protein function with a negative predictive value of 80%. In summary, the available evidence is currently insufficient to determine the role of this variant in disease. Therefore, it has been classified as a Variant of Uncertain Significance.

NM_020964.3(EPG5):c.488C>T (p.Thr163Ile)

Gene: EPG5 (ectopic P-granules 5 autophagy tethering factor; minus strand). Cytogenetic location: 18q21.1.
Variant type: single nucleotide variant.
Coding change: c.488C>T on transcript NM_020964.3 (MANE Select); coding-DNA position 488, C replaced by T.
Protein change: p.Thr163Ile; replaces threonine 163 with isoleucine.
Molecular consequence: missense variant.
Genome position (GRCh38, 1-based): chr18:45,954,914, G>A on the plus strand (C>T on the coding strand, the complement: EPG5 is on the minus strand). VCF-style: chr18-45954914-G-A. GRCh37 (hg19) VCF-style: chr18-43534880-G-A.
Other names: short protein forms T163I.
Identifiers: ClinVar variation 1014716 (VCV001014716.7), dbSNP rs1167290983, ClinGen allele CA402351619.